The following is an entry in ClinVar:

ClinVar aggregate classification (germline): Uncertain significance (1 of 4 stars; one submission).

Submission:

GeneDx
Classification: Uncertain significance. Last evaluated: 2024-07-23. Review status: criteria provided, single submitter. Criteria: GeneDx Variant Classification Process June 2021. Collection method: clinical testing. Allele origin: germline. Affected: yes.
Comment: Not observed at significant frequency in large population cohorts (gnomAD); In silico analysis indicates that this variant does not alter splicing; Has not been previously published as pathogenic or benign to our knowledge

NM_024678.6(NARS2):c.922-9_922-4del

Gene: NARS2 (asparaginyl-tRNA synthetase 2, mitochondrial; minus strand). Cytogenetic location: 11q14.1.
Variant type: Deletion.
Coding change: c.922-9_922-4del on transcript NM_024678.6 (MANE Select); 9 bases into the intron before coding-DNA position 922 through 4 bases into the intron before coding-DNA position 922, 6 bases deleted (TTTATT; older notation c.922-9_922-4delTTTATT).
Molecular consequence: intron variant.
Genome position (GRCh38, 1-based): chr11:78,478,479-78,478,484, AATAAA deleted on the plus strand (TTTATT on the coding strand, the reverse complement: NARS2 is on the minus strand); deleting any 6 consecutive bases within chr11:78,478,479-78,478,486 gives the same sequence; the c. name uses the placement nearest the transcript's 3' end. VCF-style (leftmost placement, unchanged base first): chr11-78478478-TAATAAA-T. GRCh37 (hg19) VCF-style: chr11-78189524-TAATAAA-T.
Other names: c.241-9_241-4del (NM_001425314.1, NM_001243251.2, NM_001425310.1 and 2 more transcripts); c.691-9_691-4del (NM_001425308.1); c.841-9_841-4del (NM_001425303.1, NM_001425302.1); c.694-9_694-4del (NM_001425307.1); c.271-9_271-4del (NM_001425311.1); c.690-9171_690-9166del (NM_001425309.1); c.922-14_922-9del (NM_001425306.1, NM_001425301.1); c.922-9_922-4del (NM_001425304.1, NM_001425300.1, NM_001425305.1 and 1 more transcripts).
Identifiers: ClinVar variation 3600628 (VCV003600628.1).